The following is an entry in ClinVar:

NM_004204.5(PIGQ):c.517G>C (p.Glu173Gln)

Gene: PIGQ (phosphatidylinositol glycan anchor biosynthesis class Q; plus strand). Cytogenetic location: 16p13.3.
Variant type: single nucleotide variant.
Coding change: c.517G>C on transcript NM_004204.5 (MANE Select); coding-DNA position 517, G replaced by C.
Protein change: p.Glu173Gln; replaces glutamic acid 173 with glutamine.
Molecular consequence: missense variant.
Genome position (GRCh38, 1-based): chr16:574,591, G>C. VCF-style: chr16-574591-G-C. GRCh37 (hg19) VCF-style: chr16-624591-G-C.
Other names: c.517G>C, p.Glu173Gln (NM_148920.4); short protein forms E173Q.
Identifiers: ClinVar variation 1717346 (VCV001717346.5), dbSNP rs752760525, ClinGen allele CA394048843.

ClinVar aggregate classification (germline): Uncertain significance (1 of 4 stars; one submission).

Conditions:
Epilepsy. Also called: Seizure disorder. Identifiers: MedGen C0014544, MeSH D004827, MONDO:0005027.

Submission:

Labcorp Genetics (formerly Invitae), Labcorp
Classification: Uncertain significance for Epilepsy. Last evaluated: 2024-10-23. Review status: criteria provided, single submitter. Criteria: Invitae Variant Classification Sherloc (09022015). Collection method: clinical testing. Allele origin: germline.
Comment: This sequence change replaces glutamic acid, which is acidic and polar, with glutamine, which is neutral and polar, at codon 173 of the PIGQ protein (p.Glu173Gln). This variant is not present in population databases (gnomAD no frequency). This variant has not been reported in the literature in individuals affected with PIGQ-related conditions. ClinVar contains an entry for this variant (Variation ID: 1717346). An algorithm developed to predict the effect of missense changes on protein structure and function (PolyPhen-2) suggests that this variant is likely to be tolerated. In summary, the available evidence is currently insufficient to determine the role of this variant in disease. Therefore, it has been classified as a Variant of Uncertain Significance.